The following is an entry in ClinVar:

ClinVar aggregate classification (germline): Uncertain significance (1 of 4 stars; one submission).

Conditions:
Hereditary cancer-predisposing syndrome. Also called: Hereditary Cancer Syndrome; Neoplastic Syndromes, Hereditary; Tumor predisposition; Hereditary neoplastic syndrome. Identifiers: Orphanet 140162, MedGen C0027672, MeSH D009386, MONDO:0015356.

Submission:

Ambry Genetics
Classification: Uncertain significance for Hereditary cancer-predisposing syndrome. Last evaluated: 2026-09-06. Review status: criteria provided, single submitter. Criteria: Ambry Variant Classification Scheme 2023. Collection method: clinical testing. Allele origin: germline.
Comment: The p.G322D variant (also known as c.965G>A), located in coding exon 8 of the EGFR gene, results from a G to A substitution at nucleotide position 965. The glycine at codon 322 is replaced by aspartic acid, an amino acid with similar properties. This amino acid position is conserved. In addition, this alteration is predicted to be deleterious by in silico analysis. Based on the available evidence, the clinical significance of this variant remains unclear.

NM_005228.5(EGFR):c.965G>A (p.Gly322Asp)

Gene: EGFR (epidermal growth factor receptor; plus strand). Cytogenetic location: 7p11.2.
Variant type: single nucleotide variant.
Coding change: c.965G>A on transcript NM_005228.5 (MANE Select); coding-DNA position 965, G replaced by A.
Protein change: p.Gly322Asp; replaces glycine 322 with aspartic acid.
Molecular consequence: missense variant.
Genome position (GRCh38, 1-based): chr7:55,155,905, G>A. VCF-style: chr7-55155905-G-A. GRCh37 (hg19) VCF-style: chr7-55223598-G-A.
Other names: c.806G>A, p.Gly269Asp (NM_001346900.2); c.164G>A, p.Gly55Asp (NM_001346941.2); c.965G>A, p.Gly322Asp (NM_201282.2, NM_201283.2, NM_201284.2 and 1 more transcripts); c.830G>A, p.Gly277Asp (NM_001346899.2, NM_001346897.2); short protein forms G277D, G322D, G269D, G55D.
Identifiers: ClinVar variation 5035842 (VCV005035842.1).